The following is an entry in ClinVar:

NM_002294.3(LAMP2):c.907A>G (p.Met303Val)

Gene: LAMP2 (lysosome associated membrane protein 2; minus strand). Cytogenetic location: Xq24.
Variant type: single nucleotide variant.
Coding change: c.907A>G on transcript NM_002294.3 (MANE Select); coding-DNA position 907, A replaced by G.
Protein change: p.Met303Val; replaces methionine 303 with valine.
Molecular consequence: missense variant.
Genome position (GRCh38, 1-based): chrX:120,442,620, T>C on the plus strand (A>G on the coding strand, the complement: LAMP2 is on the minus strand). VCF-style: chrX-120442620-T-C. GRCh37 (hg19) VCF-style: chrX-119576475-T-C.
Other names: c.907A>G, p.Met303Val (NM_001122606.1, NM_013995.2); short protein forms M303V.
Identifiers: ClinVar variation 380410 (VCV000380410.8), dbSNP rs768369360, ClinGen allele CA10505232.

ClinVar aggregate classification (germline): Conflicting classifications of pathogenicity. Review status: criteria provided, conflicting classifications (1 of 4 stars). 2 submissions from 2 submitters: Uncertain significance (1); Likely benign (1). Last evaluated 2025-12-19.

Conditions:
Danon disease. Also called: PSEUDOGLYCOGENOSIS II; GSD IIb; LYSOSOMAL GLYCOGEN STORAGE DISEASE WITHOUT ACID MALTASE DEFICIENCY; Glycogen Storage Disease Type IIb; ANTOPOL DISEASE. Identifiers: Orphanet 34587, MedGen C0878677, MONDO:0010281, OMIM 300257.

Allele frequency attached by ClinVar (database versions not stated): ExAC 0.00001; TOPMed 0.00002.
gnomAD v4.1: 3 of 1,210,190 alleles (0.00025%); highest among the groups gnomAD compares: Non-Finnish European, 0.00034%; no homozygotes.

Submissions (2):

Labcorp Genetics (formerly Invitae), Labcorp
Classification: Uncertain significance for Danon disease. Last evaluated: 2025-12-19. Review status: criteria provided, single submitter. Criteria: Invitae Variant Classification Sherloc (09022015). Collection method: clinical testing. Allele origin: germline.
Comment: This sequence change replaces methionine, which is neutral and non-polar, with valine, which is neutral and non-polar, at codon 303 of the LAMP2 protein (p.Met303Val). This variant is present in population databases (rs768369360, gnomAD 0.001%), including at least one homozygous and/or hemizygous individual. This variant has not been reported in the literature in individuals affected with LAMP2-related conditions. ClinVar contains an entry for this variant (Variation ID: 380410). Invitae Evidence Modeling of protein sequence and biophysical properties (such as structural, functional, and spatial information, amino acid conservation, physicochemical variation, residue mobility, and thermodynamic stability) indicates that this missense variant is not expected to disrupt LAMP2 protein function with a negative predictive value of 80%. In summary, the available evidence is currently insufficient to determine the role of this variant in disease. Therefore, it has been classified as a Variant of Uncertain Significance.

GeneDx
Classification: Likely benign. Last evaluated: 2015-08-28. Review status: criteria provided, single submitter. Criteria: GeneDx Variant Classification (06012015). Collection method: clinical testing. Allele origin: germline. Affected: yes.
Comment: This variant is considered likely benign or benign based on one or more of the following criteria: it is a conservative change, it occurs at a poorly conserved position in the protein, it is predicted to be benign by multiple in silico algorithms, and/or has population frequency not consistent with disease.